The following is an entry in ClinVar:

NM_014629.4(ARHGEF10):c.2594A>C (p.Lys865Thr)

Gene: ARHGEF10 (Rho guanine nucleotide exchange factor 10; plus strand). Cytogenetic location: 8p23.3.
Variant type: single nucleotide variant.
Coding change: c.2594A>C on transcript NM_014629.4 (MANE Select); coding-DNA position 2594, A replaced by C.
Protein change: p.Lys865Thr; replaces lysine 865 with threonine.
Molecular consequence: missense variant.
Genome position (GRCh38, 1-based): chr8:1,925,388, A>C. VCF-style: chr8-1925388-A-C. GRCh37 (hg19) VCF-style: chr8-1873554-A-C.
Other names: c.2480A>C, p.Lys827Thr (NM_001308152.2); c.2594A>C, p.Lys865Thr (NM_001308153.3); short protein forms K827T, K865T, K889T.
Identifiers: ClinVar variation 2823319 (VCV002823319.4), dbSNP rs780888274, ClinGen allele CA4600934.

ClinVar aggregate classification (germline): Uncertain significance. Review status: criteria provided, multiple submitters, no conflicts (2 of 4 stars). 2 submissions from 2 submitters: Uncertain significance (2). Last evaluated 2025-05-19.

Allele frequency attached by ClinVar (database versions not stated): gnomAD 0.00001; TOPMed 0.00003.
gnomAD v4.1: 15 of 1,614,016 alleles (0.00093%); highest among the groups gnomAD compares: East Asian, 0.031%; no homozygotes.

Submissions (2):

Ambry Genetics
Classification: Uncertain significance. Last evaluated: 2025-05-19. Review status: criteria provided, single submitter. Criteria: Ambry Variant Classification Scheme 2023. Collection method: clinical testing. Allele origin: germline.

Labcorp Genetics (formerly Invitae), Labcorp
Classification: Uncertain significance. Last evaluated: 2025-03-16. Review status: criteria provided, single submitter. Criteria: Invitae Variant Classification Sherloc (09022015). Collection method: clinical testing. Allele origin: germline.
Comment: This sequence change replaces lysine, which is basic and polar, with threonine, which is neutral and polar, at codon 865 of the ARHGEF10 protein (p.Lys865Thr). This variant is present in population databases (rs780888274, gnomAD 0.07%), and has an allele count higher than expected for a pathogenic variant. This variant has not been reported in the literature in individuals affected with ARHGEF10-related conditions. ClinVar contains an entry for this variant (Variation ID: 2823319). Invitae Evidence Modeling of protein sequence and biophysical properties (such as structural, functional, and spatial information, amino acid conservation, physicochemical variation, residue mobility, and thermodynamic stability) indicates that this missense variant is not expected to disrupt ARHGEF10 protein function with a negative predictive value of 80%. In summary, the available evidence is currently insufficient to determine the role of this variant in disease. Therefore, it has been classified as a Variant of Uncertain Significance.